The following is an entry in ClinVar:

NM_000465.4(BARD1):c.51G>T (p.Gly17=)

Gene: BARD1 (BRCA1 associated RING domain 1; minus strand). Cytogenetic location: 2q35.
Variant type: single nucleotide variant.
Coding change: c.51G>T on transcript NM_000465.4 (MANE Select); coding-DNA position 51, G replaced by T.
Protein change: p.Gly17=; no amino-acid change (glycine 17 retained).
Molecular consequence: synonymous variant. On other transcripts: non-coding transcript variant (3).
Genome position (GRCh38, 1-based): chr2:214,809,519, C>A on the plus strand (G>T on the coding strand, the complement: BARD1 is on the minus strand). VCF-style: chr2-214809519-C-A. GRCh37 (hg19) VCF-style: chr2-215674243-C-A.
Other names: c.51G>T, p.Gly17= (NM_001282543.2, NM_001282545.2, NM_001282548.2 and 1 more transcripts).
Identifiers: ClinVar variation 825541 (VCV000825541.16), dbSNP rs864622419, ClinGen allele CA431148649.

ClinVar aggregate classification (germline): Conflicting classifications of pathogenicity. Review status: criteria provided, conflicting classifications (1 of 4 stars). 3 submissions from 3 submitters: Uncertain significance (1); Benign (1); Likely benign (1). Last evaluated 2025-11-09.

Conditions:
Hereditary cancer-predisposing syndrome. Also called: Neoplastic Syndromes, Hereditary; Tumor predisposition; Hereditary neoplastic syndrome; Hereditary Cancer Syndrome. Identifiers: Orphanet 140162, MedGen C0027672, MeSH D009386, MONDO:0015356.
Familial cancer of breast. Also called: BREAST CANCER, FAMILIAL; Hereditary breast cancer; hereditary breast carcinoma. Identifiers: Orphanet 227535, MedGen C0346153, MONDO:0016419, OMIM 114480. Disease mechanism: loss of function.

Submissions (3):

Labcorp Genetics (formerly Invitae), Labcorp
Classification: Likely benign for Familial cancer of breast. Last evaluated: 2025-11-09. Review status: criteria provided, single submitter. Criteria: Invitae Variant Classification Sherloc (09022015). Collection method: clinical testing. Allele origin: germline.

Myriad Genetics, Inc.
Classification: Benign for Familial cancer of breast. Last evaluated: 2024-07-18. Review status: criteria provided, single submitter. Criteria: Myriad Autosomal Dominant, Autosomal Recessive and X-Linked Classification Criteria (2023). Collection method: clinical testing. Allele origin: unknown.
Comment: This variant is considered benign. This variant is a silent/synonymous amino acid change and it is not expected to impact splicing.

Ambry Genetics
Classification: Uncertain significance for Hereditary cancer-predisposing syndrome. Last evaluated: 2023-08-28. Review status: criteria provided, single submitter. Criteria: Ambry Variant Classification Scheme 2023. Collection method: clinical testing. Allele origin: germline.
Comment: The c.51G>T variant (also known as p.G17G) is located in coding exon 1 of the BARD1 gene. This variant results from a G to T substitution at nucleotide position 51. This nucleotide substitution does not change the glycine at codon 17. This nucleotide position is well conserved in available vertebrate species. In silico splice site analysis predicts that this alteration will result in the creation or strengthening of a novel splice donor site. Since supporting evidence is limited at this time, the clinical significance of this alteration remains unclear.